The following is an entry in ClinVar:

ClinVar aggregate classification (germline): Uncertain significance (1 of 4 stars; one submission).

Allele frequency attached by ClinVar (database versions not stated): gnomAD exomes below 0.00001; ExAC 0.00001.
gnomAD v4.1: 1 of 1,614,042 alleles (0.000062%); highest among the groups gnomAD compares: Non-Finnish European, 0.000085%; no homozygotes.

Submission:

Labcorp Genetics (formerly Invitae), Labcorp
Classification: Uncertain significance. Last evaluated: 2022-06-05. Review status: criteria provided, single submitter. Criteria: Invitae Variant Classification Sherloc (09022015). Collection method: clinical testing. Allele origin: germline.
Comment: This sequence change replaces leucine, which is neutral and non-polar, with proline, which is neutral and non-polar, at codon 270 of the PDE6A protein (p.Leu270Pro). This variant is present in population databases (rs761644555, gnomAD 0.0009%). This variant has not been reported in the literature in individuals affected with PDE6A-related conditions. Algorithms developed to predict the effect of missense changes on protein structure and function are either unavailable or do not agree on the potential impact of this missense change (SIFT: "Deleterious"; PolyPhen-2: "Probably Damaging"; Align-GVGD: "Class C0"). In summary, the available evidence is currently insufficient to determine the role of this variant in disease. Therefore, it has been classified as a Variant of Uncertain Significance.

NM_000440.3(PDE6A):c.809T>C (p.Leu270Pro)

Gene: PDE6A (phosphodiesterase 6A; minus strand). Cytogenetic location: 5q32.
Variant type: single nucleotide variant.
Coding change: c.809T>C on transcript NM_000440.3 (MANE Select); coding-DNA position 809, T replaced by C.
Protein change: p.Leu270Pro; replaces leucine 270 with proline.
Molecular consequence: missense variant.
Genome position (GRCh38, 1-based): chr5:149,931,077, A>G on the plus strand (T>C on the coding strand, the complement: PDE6A is on the minus strand). VCF-style: chr5-149931077-A-G. GRCh37 (hg19) VCF-style: chr5-149310640-A-G.
Other names: c.566T>C, p.Leu189Pro (NM_001410788.1); short protein forms L189P, L270P.
Identifiers: ClinVar variation 2120945 (VCV002120945.4), dbSNP rs761644555, ClinGen allele CA3504940.